The following is an entry in ClinVar:

ClinVar aggregate classification (germline): Uncertain significance (1 of 4 stars; one submission).

gnomAD v4.1: 1 of 1,613,994 alleles (0.000062%); highest among the groups gnomAD compares: African/African-American, 0.0013%; no homozygotes.

Submission:

Ambry Genetics
Classification: Uncertain significance. Last evaluated: 2025-10-11. Review status: criteria provided, single submitter. Criteria: Ambry Variant Classification Scheme 2023. Collection method: clinical testing. Allele origin: germline.
Comment: The p.Q232E variant (also known as c.694C>G), located in coding exon 1 of the TET2 gene, results from a C to G substitution at nucleotide position 694. The glutamine at codon 232 is replaced by glutamic acid, an amino acid with highly similar properties. This amino acid position is conserved. In addition, this alteration is predicted to be tolerated by in silico analysis. Based on the available evidence, the clinical significance of this variant remains unclear.

NM_001127208.3(TET2):c.694C>G (p.Gln232Glu)

Genes: TET2 (tet methylcytosine dioxygenase 2; plus strand), TET2-AS1 (TET2 antisense RNA 1; minus strand). Cytogenetic location: 4q24.
Variant type: single nucleotide variant.
Coding change: c.694C>G on transcript NM_001127208.3 (MANE Select); coding-DNA position 694, C replaced by G.
Protein change: p.Gln232Glu; replaces glutamine 232 with glutamic acid.
Molecular consequence: missense variant.
Genome position (GRCh38, 1-based): chr4:105,234,636, C>G. VCF-style: chr4-105234636-C-G. GRCh37 (hg19) VCF-style: chr4-106155793-C-G.
Other names: c.694C>G, p.Gln232Glu (NM_017628.4); short protein forms Q232E.
Identifiers: ClinVar variation 4594151 (VCV004594151.1).
Genomic context (GRCh38, chr4:105,234,636, plus strand): 5'-ACAGTTTCTGCCTCTTCCGTGGAACACACACATGGTGAACTCCTGGAAAAAACACTGTCT[C>G]AATATTATCCAGATTGTGTTTCCATTGCGGTGCAGAAAACCACATCTCACATAAATGCCA-3'
Protein context (NP_001120680.1, residues 222-242): HGELLEKTLS[Gln232Glu]YYPDCVSIAV